The following is an entry in ClinVar:

NM_000059.4(BRCA2):c.6057C>A (p.Asn2019Lys)

Gene: BRCA2 (BRCA2 DNA repair associated; plus strand). Cytogenetic location: 13q13.1.
Variant type: single nucleotide variant.
Coding change: c.6057C>A on transcript NM_000059.4 (MANE Select); coding-DNA position 6057, C replaced by A.
Protein change: p.Asn2019Lys; replaces asparagine 2019 with lysine.
Molecular consequence: missense variant.
Genome position (GRCh38, 1-based): chr13:32,340,412, C>A. VCF-style: chr13-32340412-C-A. GRCh37 (hg19) VCF-style: chr13-32914549-C-A.
Other names: short protein forms N2019K.
Identifiers: ClinVar variation 578975 (VCV000578975.16), dbSNP rs147961615, ClinGen allele CA6940925.
Genomic context (GRCh38, chr13:32,340,412, plus strand): 5'-GTTTTCTGAAATAGAAGATAGTACCAAGCAAGTCTTTTCCAAAGTATTGTTTAAAAGTAA[C>A]GAACATTCAGACCAGCTCACAAGAGAAGAAAATACTGCTATACGTACTCCAGAACATTTA-3'
Protein context (NP_000050.3, residues 2009-2029): QVFSKVLFKS[Asn2019Lys]EHSDQLTREE

ClinVar aggregate classification (germline): Conflicting classifications of pathogenicity. Review status: criteria provided, conflicting classifications (1 of 4 stars). 4 submissions from 4 submitters: Uncertain significance (2); Likely benign (2). Last evaluated 2024-12-31.

Conditions:
Hereditary cancer-predisposing syndrome. Also called: Neoplastic Syndromes, Hereditary; Tumor predisposition; Hereditary neoplastic syndrome; Hereditary Cancer Syndrome. Identifiers: Orphanet 140162, MedGen C0027672, MeSH D009386, MONDO:0015356.
Hereditary breast ovarian cancer syndrome. Also called: Hereditary breast and ovarian cancer syndrome; Hereditary breast and ovarian cancer syndrome (HBOC); BRCA1- and BRCA2-Associated Hereditary Breast and Ovarian Cancer; Hereditary breast and/or ovarian cancer syndrome; Hereditary breast and ovarian cancer; Breast and ovarian cancer. Identifiers: Orphanet 145, MedGen C0677776, MeSH D061325, MONDO:0003582. Disease mechanism: loss of function.

Allele frequency attached by ClinVar (database versions not stated): TOPMed 0.00001.
gnomAD v4.1: 4 of 1,613,486 alleles (0.00025%); highest among the groups gnomAD compares: Non-Finnish European, 0.00034%; no homozygotes.

Submissions (4):

Ambry Genetics
Classification: Likely benign for Hereditary cancer-predisposing syndrome. Last evaluated: 2024-12-31. Review status: criteria provided, single submitter. Criteria: Ambry Variant Classification Scheme 2023. Collection method: clinical testing. Allele origin: germline.

Labcorp Genetics (formerly Invitae), Labcorp
Classification: Uncertain significance for Hereditary breast ovarian cancer syndrome. Last evaluated: 2024-04-10. Review status: criteria provided, single submitter. Criteria: Invitae Variant Classification Sherloc (09022015). Collection method: clinical testing. Allele origin: germline.
Comment: This sequence change replaces asparagine, which is neutral and polar, with lysine, which is basic and polar, at codon 2019 of the BRCA2 protein (p.Asn2019Lys). This variant is present in population databases (rs147961615, gnomAD 0.002%). This variant has not been reported in the literature in individuals affected with BRCA2-related conditions. ClinVar contains an entry for this variant (Variation ID: 578975). Advanced modeling of protein sequence and biophysical properties (such as structural, functional, and spatial information, amino acid conservation, physicochemical variation, residue mobility, and thermodynamic stability) performed at Invitae indicates that this missense variant is not expected to disrupt BRCA2 protein function with a negative predictive value of 95%. In summary, the available evidence is currently insufficient to determine the role of this variant in disease. Therefore, it has been classified as a Variant of Uncertain Significance.

University of Washington Department of Laboratory Medicine, University of Washington
Classification: Likely benign for Hereditary cancer-predisposing syndrome. Last evaluated: 2023-03-23. Review status: criteria provided, single submitter. Criteria: Dines et al. (Genet Med. 2020). Collection method: curation. Allele origin: germline.
Comment: Missense variant in a coldspot region where missense variants are very unlikely to be pathogenic (PMID:31911673).

BRCA2 exon 11 coldspot. Reclassification based on statistical prior probability.

Color Diagnostics, LLC DBA Color Health
Classification: Uncertain significance for Hereditary cancer-predisposing syndrome. Last evaluated: 2019-05-16. Review status: criteria provided, single submitter. Criteria: ACMG Guidelines, 2015. Collection method: clinical testing. Allele origin: germline.